The following is an entry in ClinVar:

NM_182972.3(IRF2BP2):c.65C>T (p.Pro22Leu)

Gene: IRF2BP2 (interferon regulatory factor 2 binding protein 2; minus strand). Cytogenetic location: 1q42.3.
Variant type: single nucleotide variant.
Coding change: c.65C>T on transcript NM_182972.3 (MANE Select); coding-DNA position 65, C replaced by T.
Protein change: p.Pro22Leu; replaces proline 22 with leucine.
Molecular consequence: missense variant.
Genome position (GRCh38, 1-based): chr1:234,609,430, G>A on the plus strand (C>T on the coding strand, the complement: IRF2BP2 is on the minus strand). VCF-style: chr1-234609430-G-A. GRCh37 (hg19) VCF-style: chr1-234745176-G-A.
Other names: c.65C>T, p.Pro22Leu (NM_001077397.1); c.65C>T (NM_182972.2); short protein forms P22L.
Identifiers: ClinVar variation 2720921 (VCV002720921.4), dbSNP rs1383856461, ClinGen allele CA345312081.

ClinVar aggregate classification (germline): Uncertain significance. Review status: criteria provided, multiple submitters, no conflicts (2 of 4 stars). 2 submissions from 2 submitters: Uncertain significance (2). Last evaluated 2024-03-07.

Allele frequency attached by ClinVar (database versions not stated): gnomAD exomes below 0.00001.
gnomAD v4.1: 6 of 1,559,002 alleles (0.00038%); highest among the groups gnomAD compares: East Asian, 0.0026%; no homozygotes.

Submissions (2):

Ambry Genetics
Classification: Uncertain significance. Last evaluated: 2024-03-07. Review status: criteria provided, single submitter. Criteria: Ambry Variant Classification Scheme 2023. Collection method: clinical testing. Allele origin: germline.

Labcorp Genetics (formerly Invitae), Labcorp
Classification: Uncertain significance. Last evaluated: 2024-03-04. Review status: criteria provided, single submitter. Criteria: Invitae Variant Classification Sherloc (09022015). Collection method: clinical testing. Allele origin: germline.
Comment: This sequence change replaces proline, which is neutral and non-polar, with leucine, which is neutral and non-polar, at codon 22 of the IRF2BP2 protein (p.Pro22Leu). This variant is not present in population databases (gnomAD no frequency). This variant has not been reported in the literature in individuals affected with IRF2BP2-related conditions. An algorithm developed to predict the effect of missense changes on protein structure and function (PolyPhen-2) suggests that this variant is likely to be disruptive. In summary, the available evidence is currently insufficient to determine the role of this variant in disease. Therefore, it has been classified as a Variant of Uncertain Significance.